The following is an entry in ClinVar:

ClinVar aggregate classification (germline): Uncertain significance (1 of 4 stars; one submission).

Allele frequency attached by ClinVar (database versions not stated): TOPMed 0.00002.
gnomAD v4.1: 2 of 1,613,732 alleles (0.00012%); highest among the groups gnomAD compares: African/African-American, 0.0013%; no homozygotes.

Submission:

Labcorp Genetics (formerly Invitae), Labcorp
Classification: Uncertain significance. Last evaluated: 2024-12-02. Review status: criteria provided, single submitter. Criteria: Invitae Variant Classification Sherloc (09022015). Collection method: clinical testing. Allele origin: germline.
Comment: This sequence change replaces alanine, which is neutral and non-polar, with proline, which is neutral and non-polar, at codon 229 of the ZNF513 protein (p.Ala229Pro). This variant is not present in population databases (gnomAD no frequency). This variant has not been reported in the literature in individuals affected with ZNF513-related conditions. ClinVar contains an entry for this variant (Variation ID: 1016492). An algorithm developed to predict the effect of missense changes on protein structure and function (PolyPhen-2) suggests that this variant is likely to be tolerated. In summary, the available evidence is currently insufficient to determine the role of this variant in disease. Therefore, it has been classified as a Variant of Uncertain Significance.

NM_144631.6(ZNF513):c.685G>C (p.Ala229Pro)

Gene: ZNF513 (zinc finger protein 513; minus strand). Cytogenetic location: 2p23.3.
Variant type: single nucleotide variant.
Coding change: c.685G>C on transcript NM_144631.6 (MANE Select); coding-DNA position 685, G replaced by C.
Protein change: p.Ala229Pro; replaces alanine 229 with proline.
Molecular consequence: missense variant.
Genome position (GRCh38, 1-based): chr2:27,378,581, C>G on the plus strand (G>C on the coding strand, the complement: ZNF513 is on the minus strand). VCF-style: chr2-27378581-C-G. GRCh37 (hg19) VCF-style: chr2-27601448-C-G.
Other names: c.499G>C, p.Ala167Pro (NM_001201459.2); short protein forms A167P, A229P.
Identifiers: ClinVar variation 1016492 (VCV001016492.8), dbSNP rs779353288, ClinGen allele CA1578001.